The following is an entry in ClinVar:

NM_201384.3(PLEC):c.2942G>A (p.Arg981His)

Gene: PLEC (plectin; minus strand). Cytogenetic location: 8q24.3.
Variant type: single nucleotide variant.
Coding change: c.2942G>A on transcript NM_201384.3 (MANE Select); coding-DNA position 2942, G replaced by A.
Protein change: p.Arg981His; replaces arginine 981 with histidine.
Molecular consequence: missense variant.
Genome position (GRCh38, 1-based): chr8:143,929,553, C>T on the plus strand (G>A on the coding strand, the complement: PLEC is on the minus strand). VCF-style: chr8-143929553-C-T. GRCh37 (hg19) VCF-style: chr8-145003721-C-T.
Other names: c.3023G>A, p.Arg1008His (NM_000445.5, NM_001410941.1); c.2900G>A, p.Arg967His (NM_201378.4); c.2876G>A, p.Arg959His (NM_201379.3); c.3353G>A, p.Arg1118His (NM_201380.4); c.2846G>A, p.Arg949His (NM_201381.3); c.2942G>A, p.Arg981His (NM_201382.4); c.2954G>A, p.Arg985His (NM_201383.3); short protein forms R1008H, R967H, R949H, R959H, R981H, R1118H, R985H.
Identifiers: ClinVar variation 2167658 (VCV002167658.4), dbSNP rs781911502, ClinGen allele CA4927281.

ClinVar aggregate classification (germline): Uncertain significance (1 of 4 stars; one submission).

Conditions:
Epidermolysis bullosa simplex 5B, with muscular dystrophy (EBS5B). Also called: Epidermolysis bullosa simplex with muscular dystrophy; EPIDERMOLYSIS BULLOSA SIMPLEX AND LIMB-GIRDLE MUSCULAR DYSTROPHY. Identifiers: Orphanet 257, MedGen C2931072, MONDO:0009181, OMIM 226670.
Epidermolysis bullosa simplex, Ogna type (EBS5A). Also called: Pidermolysis bullosa simplex 5A, Ogna type; EPIDERMOLYSIS BULLOSA SIMPLEX 5A, OGNA TYPE. Identifiers: Orphanet 79401, MedGen C0432317, MONDO:0007555, OMIM 131950.
Epidermolysis bullosa simplex 5C, with pyloric atresia (EBS5C). Also called: PLEC-Related Epidermolysis Bullosa with Pyloric Atresia; Epidermolysis bullosa simplex with pyloric atresia; PLEC1-Related Epidermolysis Bullosa with Pyloric Atresia. Identifiers: Orphanet 158684, MedGen C2677349, MONDO:0012807, OMIM 612138.
Autosomal recessive limb-girdle muscular dystrophy type 2Q (LGMDR17). Also called: MUSCULAR DYSTROPHY, LIMB-GIRDLE, AUTOSOMAL RECESSIVE 17. Identifiers: Orphanet 254361, MedGen C3150989, MONDO:0013390, OMIM 613723.
Epidermolysis bullosa simplex with nail dystrophy (EBS5D). Identifiers: MedGen C4225309, MONDO:0014661, OMIM 616487.

Allele frequency attached by ClinVar (database versions not stated): gnomAD 0.00001; gnomAD exomes 0.00001; TOPMed 0.00001; ExAC 0.00003.
gnomAD v4.1: 13 of 1,612,452 alleles (0.00081%); highest among the groups gnomAD compares: South Asian, 0.0055%; no homozygotes.

Submission:

Labcorp Genetics (formerly Invitae), Labcorp
Classification: Uncertain significance for Autosomal recessive limb-girdle muscular dystrophy type 2Q; Epidermolysis bullosa simplex, Ogna type; Epidermolysis bullosa simplex with nail dystrophy; Epidermolysis bullosa simplex 5C, with pyloric atresia; Epidermolysis bullosa simplex 5B, with muscular dystrophy. Last evaluated: 2025-08-20. Review status: criteria provided, single submitter. Criteria: Invitae Variant Classification Sherloc (09022015). Collection method: clinical testing. Allele origin: germline.
Comment: This sequence change replaces arginine, which is basic and polar, with histidine, which is basic and polar, at codon 1008 of the PLEC protein (p.Arg1008His). This variant is present in population databases (rs781911502, gnomAD 0.01%). This variant has not been reported in the literature in individuals affected with PLEC-related conditions. ClinVar contains an entry for this variant (Variation ID: 2167658). Invitae Evidence Modeling of protein sequence and biophysical properties (such as structural, functional, and spatial information, amino acid conservation, physicochemical variation, residue mobility, and thermodynamic stability) indicates that this missense variant is not expected to disrupt PLEC protein function with a negative predictive value of 80%. In summary, the available evidence is currently insufficient to determine the role of this variant in disease. Therefore, it has been classified as a Variant of Uncertain Significance.